The following is an entry in ClinVar:

ClinVar aggregate classification (germline): Pathogenic (1 of 4 stars; one submission).

Allele frequency attached by ClinVar (database versions not stated): gnomAD exomes below 0.00001; gnomAD 0.00001.
gnomAD v4.1: 2 of 1,611,376 alleles (0.00012%); highest among the groups gnomAD compares: South Asian, 0.0022%; no homozygotes.

Submission:

Labcorp Genetics (formerly Invitae), Labcorp
Classification: Pathogenic. Last evaluated: 2022-05-03. Review status: criteria provided, single submitter. Criteria: Invitae Variant Classification Sherloc (09022015). Collection method: clinical testing. Allele origin: germline.
Comment: This premature translational stop signal has been observed in individual(s) with autosomal recessive optic atrophy and/or autosomal recessive Wolfram syndrome (PMID: 12754709, 33841295). In at least one individual the data is consistent with being in trans (on the opposite chromosome) from a pathogenic variant. For these reasons, this variant has been classified as Pathogenic. This variant is not present in population databases (gnomAD no frequency). This sequence change creates a premature translational stop signal (p.Gln486*) in the WFS1 gene. While this is not anticipated to result in nonsense mediated decay, it is expected to disrupt the last 405 amino acid(s) of the WFS1 protein.

Literature cited by the submitters: PubMed 12754709; PubMed 33841295.

NM_006005.3(WFS1):c.1456C>T (p.Gln486Ter)

Gene: WFS1 (wolframin ER transmembrane glycoprotein; plus strand). Cytogenetic location: 4p16.1.
Variant type: single nucleotide variant.
Coding change: c.1456C>T on transcript NM_006005.3 (MANE Select); coding-DNA position 1456, C replaced by T.
Protein change: p.Gln486Ter; replaces glutamine 486 with a stop codon.
Molecular consequence: nonsense.
Genome position (GRCh38, 1-based): chr4:6,301,251, C>T. VCF-style: chr4-6301251-C-T. GRCh37 (hg19) VCF-style: chr4-6302978-C-T.
Other names: c.1456C>T, p.Gln486Ter (NM_001145853.1); short protein forms Q486*.
Identifiers: ClinVar variation 2203518 (VCV002203518.4), dbSNP rs1730892028, ClinGen allele CA356175032.
Genomic context (GRCh38, chr4:6,301,251, plus strand): 5'-GGCCTGCTATCGCTGCTGCCCTCCATGCCCTTGAATTGGCCCTACCTGAAGGTCCTTGGC[C>T]AGACCTTCATCACCGTGCCTGTCGGCCACCTGGTCGTCCTCAACGTCAGCGTCCCGTGCC-3'